The following is an entry in ClinVar:

ClinVar aggregate classification (germline): Uncertain significance. Review status: criteria provided, multiple submitters, no conflicts (2 of 4 stars). 2 submissions from 2 submitters: Uncertain significance (2). Last evaluated 2024-05-08.

Conditions:
Bardet-Biedl syndrome (BBS). Identifiers: Orphanet 110, MedGen C0752166, MONDO:0015229.
Bardet-Biedl syndrome 7 (BBS7). Identifiers: Orphanet 110, MedGen C1859565, MONDO:0014435, OMIM 615984.

Allele frequency attached by ClinVar (database versions not stated): TOPMed below 0.00001; gnomAD 0.00001.
gnomAD v4.1: 2 of 1,613,444 alleles (0.00012%); highest among the groups gnomAD compares: African/African-American, 0.0013%; no homozygotes.

Submissions (2):

Fulgent Genetics
Classification: Uncertain significance for Bardet-Biedl syndrome 7. Last evaluated: 2024-05-08. Review status: criteria provided, single submitter. Criteria: ACMG Guidelines, 2015. Collection method: clinical testing. Allele origin: germline.

Labcorp Genetics (formerly Invitae), Labcorp
Classification: Uncertain significance for Bardet-Biedl syndrome. Last evaluated: 2022-07-30. Review status: criteria provided, single submitter. Criteria: Invitae Variant Classification Sherloc (09022015). Collection method: clinical testing. Allele origin: germline.
Comment: This sequence change replaces leucine, which is neutral and non-polar, with proline, which is neutral and non-polar, at codon 195 of the BBS7 protein (p.Leu195Pro). This variant is present in population databases (no rsID available, gnomAD 0.007%). This variant has not been reported in the literature in individuals affected with BBS7-related conditions. Algorithms developed to predict the effect of missense changes on protein structure and function are either unavailable or do not agree on the potential impact of this missense change (SIFT: "Deleterious"; PolyPhen-2: "Benign"; Align-GVGD: "Class C0"). In summary, the available evidence is currently insufficient to determine the role of this variant in disease. Therefore, it has been classified as a Variant of Uncertain Significance.

NM_176824.3(BBS7):c.584T>C (p.Leu195Pro)

Gene: BBS7 (Bardet-Biedl syndrome 7; minus strand). Cytogenetic location: 4q27.
Variant type: single nucleotide variant.
Coding change: c.584T>C on transcript NM_176824.3 (MANE Select); coding-DNA position 584, T replaced by C.
Protein change: p.Leu195Pro; replaces leucine 195 with proline.
Molecular consequence: missense variant.
Genome position (GRCh38, 1-based): chr4:121,855,506, A>G on the plus strand (T>C on the coding strand, the complement: BBS7 is on the minus strand). VCF-style: chr4-121855506-A-G. GRCh37 (hg19) VCF-style: chr4-122776661-A-G.
Other names: c.584T>C, p.Leu195Pro (NM_018190.4); short protein forms L195P.
Identifiers: ClinVar variation 1905459 (VCV001905459.3), dbSNP rs1333438376, ClinGen allele CA358066566.